The following is an entry in ClinVar:

ClinVar aggregate classification (germline): Uncertain significance. Review status: criteria provided, multiple submitters, no conflicts (2 of 4 stars). 3 submissions from 3 submitters: Uncertain significance (3). Last evaluated 2024-07-01.

Conditions:
Hereditary cancer-predisposing syndrome. Also called: Hereditary Cancer Syndrome; Neoplastic Syndromes, Hereditary; Tumor predisposition; Hereditary neoplastic syndrome. Identifiers: Orphanet 140162, MedGen C0027672, MeSH D009386, MONDO:0015356.
Fanconi anemia complementation group J. Also called: BRIP1-Related Fanconi Anemia. Identifiers: Orphanet 84, MedGen C1836860, MONDO:0012187, OMIM 609054.
Familial cancer of breast. Also called: Hereditary breast cancer; hereditary breast carcinoma; BREAST CANCER, FAMILIAL. Identifiers: Orphanet 227535, MedGen C0346153, MONDO:0016419, OMIM 114480. Disease mechanism: loss of function.

Submissions (3):

Labcorp Genetics (formerly Invitae), Labcorp
Classification: Uncertain significance for Familial cancer of breast; Fanconi anemia complementation group J. Last evaluated: 2024-07-01. Review status: criteria provided, single submitter. Criteria: Invitae Variant Classification Sherloc (09022015). Collection method: clinical testing. Allele origin: germline.
Comment: This sequence change replaces serine, which is neutral and polar, with cysteine, which is neutral and slightly polar, at codon 197 of the BRIP1 protein (p.Ser197Cys). This variant is not present in population databases (gnomAD no frequency). This variant has not been reported in the literature in individuals affected with BRIP1-related conditions. ClinVar contains an entry for this variant (Variation ID: 230682). Advanced modeling of protein sequence and biophysical properties (such as structural, functional, and spatial information, amino acid conservation, physicochemical variation, residue mobility, and thermodynamic stability) performed at Invitae indicates that this missense variant is not expected to disrupt BRIP1 protein function with a negative predictive value of 80%. In summary, the available evidence is currently insufficient to determine the role of this variant in disease. Therefore, it has been classified as a Variant of Uncertain Significance.

Ambry Genetics
Classification: Uncertain significance for Hereditary cancer-predisposing syndrome. Last evaluated: 2024-05-29. Review status: criteria provided, single submitter. Criteria: Ambry Variant Classification Scheme 2023. Collection method: clinical testing. Allele origin: germline.
Comment: The p.S197C variant (also known as c.590C>G), located in coding exon 5 of the BRIP1 gene, results from a C to G substitution at nucleotide position 590. The serine at codon 197 is replaced by cysteine, an amino acid with dissimilar properties. This amino acid position is well conserved in available vertebrate species. In addition, this alteration is predicted to be tolerated by in silico analysis. Since supporting evidence is limited at this time, the clinical significance of this alteration remains unclear.

GeneDx
Classification: Uncertain significance. Last evaluated: 2023-06-14. Review status: criteria provided, single submitter. Criteria: GeneDx Variant Classification Process June 2021. Collection method: clinical testing. Allele origin: germline. Affected: yes.
Comment: Not observed at significant frequency in large population cohorts (gnomAD); In silico analysis supports that this missense variant does not alter protein structure/function; Has not been previously published as pathogenic or benign to our knowledge

NM_032043.3(BRIP1):c.590C>G (p.Ser197Cys)

Gene: BRIP1 (BRCA1 interacting DNA helicase 1; minus strand). Cytogenetic location: 17q23.2.
Variant type: single nucleotide variant.
Coding change: c.590C>G on transcript NM_032043.3 (MANE Select); coding-DNA position 590, C replaced by G.
Protein change: p.Ser197Cys; replaces serine 197 with cysteine.
Molecular consequence: missense variant.
Genome position (GRCh38, 1-based): chr17:61,847,138, G>C on the plus strand (C>G on the coding strand, the complement: BRIP1 is on the minus strand). VCF-style: chr17-61847138-G-C. GRCh37 (hg19) VCF-style: chr17-59924499-G-C.
Other names: short protein forms S197C.
Identifiers: ClinVar variation 230682 (VCV000230682.16), dbSNP rs533184563, ClinGen allele CA10580867.
Genomic context (GRCh38, chr17:61,847,138, plus strand): 5'-TGAACAATGGCATTAATACATACTTTCTGTGGCGAAAAGGAGTTTATCTTTTCCAGTGGA[G>C]AGTTGAGTTTTACAGTCTTTCCTGAATCAACTTTTGCATCCAAATTGTGTACTTCTGTTC-3'
Protein context (NP_114432.2, residues 187-207): VDSGKTVKLN[Ser197Cys]PLEKINSFSP